The following is an entry in ClinVar:

NM_001393504.1(MAST3):c.399+3A>G

Genes: MAST3 (microtubule associated serine/threonine kinase 3; plus strand), LOC126862876 (BRD4-independent group 4 enhancer GRCh37_chr19:18232970-18234169; plus strand). Cytogenetic location: 19p13.11.
Variant type: single nucleotide variant.
Coding change: c.399+3A>G on transcript NM_001393504.1 (MANE Select); 3 bases into the intron after coding-DNA position 399, A replaced by G.
Molecular consequence: intron variant.
Genome position (GRCh38, 1-based): chr19:18,122,754, A>G. VCF-style: chr19-18122754-A-G. GRCh37 (hg19) VCF-style: chr19-18233564-A-G.
Other names: c.423+3A>G (NM_001393501.1); c.402+3A>G (NM_001393502.1); c.333+3A>G (NM_001393508.1, NM_001393516.1); c.312+3A>G (NM_001393514.1, NM_015016.2); c.330+3A>G (NM_001393509.1, NM_001393512.1, NM_001393518.1 and 2 more transcripts); c.309+3A>G (NM_001393515.1, NM_001393520.1); c.399+3A>G (NM_001393503.1); c.378+3A>G (NM_001393507.1); and 4 more.
Identifiers: ClinVar variation 2572268 (VCV002572268.1), dbSNP rs2512955299, ClinGen allele CA2580613091.

ClinVar aggregate classification (germline): Uncertain significance (1 of 4 stars; one submission).

Submission:

Greenwood Genetic Center Diagnostic Laboratories, Greenwood Genetic Center
Classification: Uncertain significance. Last evaluated: 2023-06-12. Review status: criteria provided, single submitter. Criteria: ACMG Guidelines, 2015. Collection method: clinical testing. Allele origin: germline. Affected: yes.
Comment: PM2